The following is an entry in ClinVar:

Conditions:
Arteriohepatic dysplasia. Also called: Alagille Syndrome. Identifiers: Orphanet 52, MedGen C0085280, MeSH D016738, MONDO:0007318.

Submission:

Gilbert/Spinner Lab, Children's Hospital of Philadelphia
No classification provided (evidence only). Condition: Alagille syndrome. Review status: no classification provided. Collection method: research. Allele origin: not applicable. Functional consequence: functionally_abnormal.
ClinVar note: "not provided" was previously submitted as the classification for the variant. However, the classification appeared to be based only on an observation of functional data so it was converted to no classification on 2025-07-30.

NM_000214.3(JAG1):c.824T>G (p.Ile275Ser)

Gene: JAG1 (jagged canonical Notch ligand 1; minus strand). Cytogenetic location: 20p12.2.
Variant type: single nucleotide variant.
Coding change: c.824T>G on transcript NM_000214.3 (MANE Select); coding-DNA position 824, T replaced by G.
Protein change: p.Ile275Ser; replaces isoleucine 275 with serine.
Molecular consequence: missense variant.
Genome position (GRCh38, 1-based): chr20:10,652,530, A>C on the plus strand (T>G on the coding strand, the complement: JAG1 is on the minus strand). VCF-style: chr20-10652530-A-C. GRCh37 (hg19) VCF-style: chr20-10633178-A-C.
Other names: short protein forms I275S.
Identifiers: ClinVar variation 3573116 (VCV003573116.2).